The following is an entry in ClinVar:

ClinVar aggregate classification (germline): Conflicting classifications of pathogenicity. Review status: criteria provided, conflicting classifications (1 of 4 stars). 2 submissions from 2 submitters: Uncertain significance (1); Benign (1). Last evaluated 2023-12-29.

Conditions:
Primary ciliary dyskinesia. Also called: Ciliary dyskinesia. Identifiers: Orphanet 244, MedGen C0008780, MONDO:0016575, HP:0012265.

Allele frequency attached by ClinVar (database versions not stated): gnomAD exomes 0.00001; ExAC 0.00005; gnomAD 0.00005; TOPMed 0.00005; 1000 Genomes Project 30x 0.00016; 1000 Genomes Project 0.00020.
gnomAD v4.1: 18 of 1,604,476 alleles (0.0011%); highest among the groups gnomAD compares: East Asian, 0.031%; no homozygotes.

Submissions (2):

Labcorp Genetics (formerly Invitae), Labcorp
Classification: Benign for Primary ciliary dyskinesia. Last evaluated: 2023-12-29. Review status: criteria provided, single submitter. Criteria: Invitae Variant Classification Sherloc (09022015). Collection method: clinical testing. Allele origin: germline.

Ambry Genetics
Classification: Uncertain significance for Primary ciliary dyskinesia. Last evaluated: 2015-08-11. Review status: criteria provided, single submitter. Criteria: Ambry Variant Classification Scheme 2023. Collection method: clinical testing. Allele origin: germline.
Comment: The p.L471V variant (also known as c.1411T>G), located in coding exon 7 of the DNAH11 gene, results from a T to G substitution at nucleotide position 1411. The leucine at codon 471 is replaced by valine, an amino acid with highly similar properties. This variant was not reported in population based cohorts in the following databases: Database of Single Nucleotide Polymorphisms (dbSNP), NHLBI Exome Sequencing Project (ESP), and 1000 Genomes Project. In the ESP, this variant was not observed in 5862 samples (11724 alleles) with coverage at this position. This amino acid position is poorly conserved in available vertebrate species. Since supporting evidence is limited at this time, the clinical significance of this variant remains unclear.

NM_001277115.2(DNAH11):c.1411T>G (p.Leu471Val)

Gene: DNAH11 (dynein axonemal heavy chain 11; plus strand). Cytogenetic location: 7p15.3.
Variant type: single nucleotide variant.
Coding change: c.1411T>G on transcript NM_001277115.2 (MANE Select); coding-DNA position 1411, T replaced by G.
Protein change: p.Leu471Val; replaces leucine 471 with valine.
Molecular consequence: missense variant.
Genome position (GRCh38, 1-based): chr7:21,570,285, T>G. VCF-style: chr7-21570285-T-G. GRCh37 (hg19) VCF-style: chr7-21609903-T-G.
Other names: c.1411T>G, p.Leu471Val (NM_003777.3); short protein forms L471V.
Identifiers: ClinVar variation 1772057 (VCV001772057.7), dbSNP rs536932803, ClinGen allele CA4178967.
Genomic context (GRCh38, chr7:21,570,285, plus strand): 5'-AGACCATGGGATTTCCAGTCTCATCTGGTGTTTTGCAGATTTGACAAGTTTCTTGATCGT[T>G]TAATAAAAATAGAGGTATTCATTTTTTGATTTTATTTATTCATGTTGAAGGTGGGTGCAA-3'
Protein context (NP_001264044.1, residues 461-481): FCRFDKFLDR[Leu471Val]IKIEDIFATT